The following is an entry in ClinVar:

ClinVar aggregate classification (germline): Uncertain significance (1 of 4 stars; one submission).

Conditions:
Catecholaminergic polymorphic ventricular tachycardia (CVPT). Also called: Catecholamine-induced polymorphic ventricular tachycardia. Identifiers: Orphanet 3286, MedGen C5574922, MONDO:0017990.

Allele frequency attached by ClinVar (database versions not stated): gnomAD exomes below 0.00001.
gnomAD v4.1: 1 of 1,613,978 alleles (0.000062%); highest among the groups gnomAD compares: Non-Finnish European, 0.000085%; no homozygotes.

Submission:

All of Us Research Program, National Institutes of Health
Classification: Uncertain significance for Catecholaminergic polymorphic ventricular tachycardia. Last evaluated: 2023-06-08. Review status: criteria provided, single submitter. Criteria: ACMG Guidelines, 2015. Collection method: clinical testing. Allele origin: germline. Inheritance: Autosomal dominant inheritance. Observed: 1 variant allele, 1 heterozygote.
Comment: This missense variant replaces glutamic acid with lysine at codon 1083 of the RYR2 protein. Computational prediction is inconclusive regarding the impact of this variant on protein structure and function (internally defined REVEL score threshold 0.5 < inconclusive < 0.7, PMID: 27666373). To our knowledge, functional studies have not been reported for this variant. This variant has not been reported in individuals affected with RYR2-related disorders in the literature. This variant has not been identified in the general population by the Genome Aggregation Database (gnomAD). The available evidence is insufficient to determine the role of this variant in disease conclusively. Therefore, this variant is classified as a Variant of Uncertain Significance.

This study involves interpretation of variants in research participants for the purpose of population health screening. Participant phenotype was not available at the time of variant classification. Additional details can be found in publication PMID: 35346344, PMCID: PMC8962531

NM_001035.3(RYR2):c.3247G>A (p.Glu1083Lys)

Gene: RYR2 (ryanodine receptor 2; plus strand). Cytogenetic location: 1q43.
Variant type: single nucleotide variant.
Coding change: c.3247G>A on transcript NM_001035.3 (MANE Select); coding-DNA position 3247, G replaced by A.
Protein change: p.Glu1083Lys; replaces glutamic acid 1083 with lysine.
Molecular consequence: missense variant.
Genome position (GRCh38, 1-based): chr1:237,566,599, G>A. VCF-style: chr1-237566599-G-A. GRCh37 (hg19) VCF-style: chr1-237729899-G-A.
Other names: short protein forms E1083K.
Identifiers: ClinVar variation 3071631 (VCV003071631.1), dbSNP rs2546424178, ClinGen allele CA345397922.